The following is an entry in ClinVar:

NM_000212.3(ITGB3):c.1533A>G (p.Glu511=)

Gene: ITGB3 (integrin subunit beta 3; plus strand). Cytogenetic location: 17q21.32.
Variant type: single nucleotide variant.
Coding change: c.1533A>G on transcript NM_000212.3 (MANE Select); coding-DNA position 1533, A replaced by G.
Protein change: p.Glu511=; no amino-acid change (glutamic acid 511 retained).
Molecular consequence: synonymous variant.
Genome position (GRCh38, 1-based): chr17:47,292,411, A>G. VCF-style: chr17-47292411-A-G. GRCh37 (hg19) VCF-style: chr17-45369777-A-G.
Other names: NM_000212.3(ITGB3):c.1533A>G; p.Glu511=.
Identifiers: ClinVar variation 255536 (VCV000255536.26), dbSNP rs4642, ClinGen allele CA8623279.
Genomic context (GRCh38, chr17:47,292,411, plus strand): 5'-CTGGCTGGGATCCCAGTGTGAGTGCTCAGAGGAGGACTATCGCCCTTCCCAGCAGGACGA[A>G]TGCAGCCCCCGGGAGGGTCAGCCCGTCTGCAGCCAGCGGGGCGAGTGCCTCTGTGGTCAA-3'
Protein context (NP_000203.2, residues 501-521): EEDYRPSQQD[Glu511=]CSPREGQPVC

ClinVar aggregate classification (germline): Benign. Review status: reviewed by expert panel (3 of 4 stars). 11 submissions from 11 submitters: Benign (1). 10 of the submissions do not count toward it. Last evaluated 2023-10-17.

Conditions:
Glanzmann thrombasthenia. Also called: PLATELET GLYCOPROTEIN IIb-IIIa DEFICIENCY; THROMBASTHENIA OF GLANZMANN AND NAEGELI; Glanzmann's thrombasthenia; Thrombasthenia. Identifiers: Orphanet 849, MedGen C0040015, MONDO:0100326.

Allele frequency attached by ClinVar (database versions not stated): TOPMed 0.28231; 1000 Genomes Project 30x 0.28357; ESP Exome Variant Server 0.28395; gnomAD 0.28601 and 0.28618; gnomAD exomes 0.28627; ExAC 0.28714; 1000 Genomes Project 0.28734.
gnomAD v4.1: 466,042 of 1,612,160 alleles (29%); highest among the groups gnomAD compares: East Asian, 34%; 67,985 homozygotes.

Submissions (11):

ClinGen Platelet Disorders Variant Curation Expert Panel, ClinGen
Classification: Benign for Glanzmann thrombasthenia. Last evaluated: 2023-10-17. Review status: reviewed by expert panel. Criteria: ClinGen Platelet ACMG Specifications v2-1. Collection method: curation. Allele origin: germline. Inheritance: Autosomal recessive inheritance.
Comment: After a comprehensive literature search of the synonymous variant NM_000212.3(ITGB3):c.1533A>G (p.Glu511=), no individuals with Glanzmann thrombasthenia were reported with the variant. Moreover, the variant has a minor allele frequency of 0.3455 (6891/19944) in gnomAD, found in the East Asian population, which is considerably higher than the expected frequency of the disease (BA1). In silico predictor spliceAI revealed that the synonymous mutation is not expected to impact splicing (BP4). In summary, this variant meets the criteria to be classified as Benign for autosomal recessive Glanzmann Thrombasthenia based on the ACMG/AMP criteria applied, as specified by the ClinGen PD VCEP: BA1, BP4 (PD VCEP specifications version 2.1).

Labcorp Genetics (formerly Invitae), Labcorp
Classification: Benign. Last evaluated: 2026-02-04. Review status: criteria provided, single submitter. Criteria: Invitae Variant Classification Sherloc (09022015). Collection method: clinical testing. Allele origin: germline. Not counted in ClinVar's aggregate classification.

Women's Health and Genetics/Laboratory Corporation of America, LabCorp
Classification: Benign. Last evaluated: 2026-01-10. Review status: criteria provided, single submitter. Criteria: LabCorp Variant Classification Summary - May 2015. Collection method: clinical testing. Allele origin: germline. Not counted in ClinVar's aggregate classification.
Comment: Variant summary: ITGB3 c.1533A>G alters a conserved nucleotide resulting in a synonymous change. Consensus agreement among computation tools predict no significant impact on normal splicing. However, these predictions have yet to be confirmed by functional studies. The variant allele was found at a frequency of 0.29 in 250598 control chromosomes in the gnomAD database, including 10357 homozygotes. The observed variant frequency exceeds the estimated maximal expected allele frequency for disease-causing variants in ITGB3. To our knowledge, no occurrence of c.1533A>G in individuals affected with ITGB3-related conditions and no experimental evidence demonstrating its impact on protein function have been reported. ClinVar contains an entry for this variant (Variation ID: 255536). Based on the evidence outlined above, the variant was classified as benign.

Blueprint Genetics
Classification: Likely benign. Last evaluated: 2024-11-28. Review status: criteria provided, single submitter. Criteria: ACMG Guidelines, 2015. Collection method: clinical testing. Allele origin: germline. Not counted in ClinVar's aggregate classification.

Mayo Clinic Laboratories, Mayo Clinic
Classification: Benign. Last evaluated: 2022-09-29. Review status: criteria provided, single submitter. Criteria: ACMG Guidelines, 2015. Collection method: clinical testing. Allele origin: germline. Observed: 288 variant alleles. Not counted in ClinVar's aggregate classification.

GeneDx
Classification: Benign. Last evaluated: 2021-06-09. Review status: criteria provided, single submitter. Criteria: GeneDx Variant Classification Process June 2021. Collection method: clinical testing. Allele origin: germline. Affected: yes. Not counted in ClinVar's aggregate classification.

Illumina Laboratory Services, Illumina
Classification: Benign for Glanzmann thrombasthenia 1. Last evaluated: 2018-01-13. Review status: criteria provided, single submitter. Criteria: ICSL Variant Classification Criteria 13 December 2019. Collection method: clinical testing. Allele origin: germline. Not counted in ClinVar's aggregate classification.
Comment: This variant was observed in the ICSL laboratory as part of a predisposition screen in an ostensibly healthy population. It had not been previously curated by ICSL or reported in the Human Gene Mutation Database (HGMD: prior to June 1st, 2018), and was therefore a candidate for classification through an automated scoring system. Utilizing variant allele frequency, disease prevalence and penetrance estimates, and inheritance mode, an automated score was calculated to assess if this variant is too frequent to cause the disease. Based on the score and internal cut-off values, a variant classified as benign is not then subjected to further curation. The score for this variant resulted in a classification of benign for this disease.

Breakthrough Genomics
Classification: Benign. Review status: criteria provided, single submitter. Criteria: ACMG Guidelines, 2015. Collection method: not provided. Allele origin: germline. Inheritance: Autosomal recessive inheritance. Affected: yes. Not counted in ClinVar's aggregate classification.

PreventionGenetics, part of Exact Sciences
Classification: Benign. Review status: criteria provided, single submitter. Criteria: ACMG Guidelines, 2015. Collection method: clinical testing. Allele origin: germline. Not counted in ClinVar's aggregate classification.

Diagnostic Laboratory, Department of Genetics, University Medical Center Groningen
Classification: Benign. Review status: no assertion criteria provided. Collection method: clinical testing. Allele origin: germline. Affected: yes. Study: VKGL Data-share Consensus. Not counted in ClinVar's aggregate classification.

Joint Genome Diagnostic Labs from Nijmegen and Maastricht, Radboudumc and MUMC+
Classification: Benign. Review status: no assertion criteria provided. Collection method: clinical testing. Allele origin: germline. Affected: yes. Study: VKGL Data-share Consensus. Not counted in ClinVar's aggregate classification.